The following is an entry in ClinVar:

NM_001035.3(RYR2):c.2238A>C (p.Gln746His)

Gene: RYR2 (ryanodine receptor 2; plus strand). Cytogenetic location: 1q43.
Variant type: single nucleotide variant.
Coding change: c.2238A>C on transcript NM_001035.3 (MANE Select); coding-DNA position 2238, A replaced by C.
Protein change: p.Gln746His; replaces glutamine 746 with histidine.
Molecular consequence: missense variant.
Genome position (GRCh38, 1-based): chr1:237,500,745, A>C. VCF-style: chr1-237500745-A-C. GRCh37 (hg19) VCF-style: chr1-237664045-A-C.
Other names: c.2238A>C, p.Gln746His (LRG_402t1); short protein forms Q746H.
Identifiers: ClinVar variation 208397 (VCV000208397.3), dbSNP rs863223355, ClinGen allele CA279850.

ClinVar aggregate classification (germline): Likely pathogenic (1 of 4 stars; one submission).

Conditions:
Childhood-onset schizophrenia. Also called: Childhood schizophrenia. Identifiers: Orphanet 641496, MedGen C0036346, MONDO:0957430.

Submission:

Dr. Guy Rouleau's laboratory, McGill University
Classification: Likely pathogenic for Childhood Onset Schizophrenia. Last evaluated: 2014-01-01. Review status: criteria provided, single submitter. Criteria: Submitter's publication. Collection method: research. Allele origin: de novo. Affected: yes. Observed: 1 variant allele.
Comment: COS with PDD NOS, Asperger's Disorder, Separation Anxiety Disorder

; Identified by next generation sequencing and validated by Sanger sequencing